The following is an entry in ClinVar:

ClinVar aggregate classification (germline): Uncertain significance (1 of 4 stars; one submission).

Conditions:
Desmin-related myofibrillar myopathy (MFM1). Also called: Desminopathy; Desmin related myopathy (former name); Desmin storage myopathy (former name); Myofibrillar myopathy 1; MYOFIBRILLAR MYOPATHY WITH ARRHYTHMOGENIC RIGHT VENTRICULAR CARDIOMYOPATHY; DESMIN-RELATED MYOPATHY WITH ARRHYTHMOGENIC RIGHT VENTRICULAR CARDIOMYOPATHY. Identifiers: Orphanet 363543, Orphanet 98909, MedGen C1832370, MONDO:0011076, OMIM 601419.

Allele frequency attached by ClinVar (database versions not stated): gnomAD exomes below 0.00001.
gnomAD v4.1: 1 of 1,613,970 alleles (0.000062%); highest among the groups gnomAD compares: Non-Finnish European, 0.000085%; no homozygotes.

Submission:

Labcorp Genetics (formerly Invitae), Labcorp
Classification: Uncertain significance for Desmin-related myofibrillar myopathy. Last evaluated: 2026-01-18. Review status: criteria provided, single submitter. Criteria: Invitae Variant Classification Sherloc (09022015). Collection method: clinical testing. Allele origin: germline.
Comment: This sequence change replaces lysine, which is basic and polar, with glutamine, which is neutral and polar, at codon 407 of the DES protein (p.Lys407Gln). This variant is not present in population databases (gnomAD no frequency). This variant has not been reported in the literature in individuals affected with DES-related conditions. ClinVar contains an entry for this variant (Variation ID: 474284). Invitae Evidence Modeling of protein sequence and biophysical properties (such as structural, functional, and spatial information, amino acid conservation, physicochemical variation, residue mobility, and thermodynamic stability) has been performed for this missense variant. However, the output from this modeling did not meet the statistical confidence thresholds required to predict the impact of this variant on DES protein function. In summary, the available evidence is currently insufficient to determine the role of this variant in disease. Therefore, it has been classified as a Variant of Uncertain Significance.

NM_001927.4(DES):c.1219A>C (p.Lys407Gln)

Gene: DES (desmin; plus strand). Cytogenetic location: 2q35.
Variant type: single nucleotide variant.
Coding change: c.1219A>C on transcript NM_001927.4 (MANE Select); coding-DNA position 1219, A replaced by C.
Protein change: p.Lys407Gln; replaces lysine 407 with glutamine.
Molecular consequence: missense variant.
Genome position (GRCh38, 1-based): chr2:219,421,535, A>C. VCF-style: chr2-219421535-A-C. GRCh37 (hg19) VCF-style: chr2-220286257-A-C.
Other names: c.1219A>C (LRG_380t1); short protein forms K407Q.
Identifiers: ClinVar variation 474284 (VCV000474284.9), dbSNP rs1553603573, ClinGen allele CA350695023.